The following is an entry in ClinVar:

NM_001363711.2(DUOX2):c.4113T>G (p.His1371Gln)

Gene: DUOX2 (dual oxidase 2; minus strand). Cytogenetic location: 15q21.1.
Variant type: single nucleotide variant.
Coding change: c.4113T>G on transcript NM_001363711.2 (MANE Select); coding-DNA position 4113, T replaced by G.
Protein change: p.His1371Gln; replaces histidine 1371 with glutamine.
Molecular consequence: missense variant.
Genome position (GRCh38, 1-based): chr15:45,095,563, A>C on the plus strand (T>G on the coding strand, the complement: DUOX2 is on the minus strand). VCF-style: chr15-45095563-A-C. GRCh37 (hg19) VCF-style: chr15-45387761-A-C.
Other names: c.4113T>G, p.His1371Gln (NM_014080.5); short protein forms H1371Q.
Identifiers: ClinVar variation 2025899 (VCV002025899.4), dbSNP rs2504739294, ClinGen allele CA392251727.

ClinVar aggregate classification (germline): Uncertain significance (1 of 4 stars; one submission).

Submission:

Labcorp Genetics (formerly Invitae), Labcorp
Classification: Uncertain significance. Last evaluated: 2023-06-15. Review status: criteria provided, single submitter. Criteria: Invitae Variant Classification Sherloc (09022015). Collection method: clinical testing. Allele origin: germline.
Comment: Advanced modeling of protein sequence and biophysical properties (such as structural, functional, and spatial information, amino acid conservation, physicochemical variation, residue mobility, and thermodynamic stability) performed at Invitae indicates that this missense variant is expected to disrupt DUOX2 protein function. In summary, the available evidence is currently insufficient to determine the role of this variant in disease. Therefore, it has been classified as a Variant of Uncertain Significance. ClinVar contains an entry for this variant (Variation ID: 2025899). This variant has not been reported in the literature in individuals affected with DUOX2-related conditions. This variant is not present in population databases (gnomAD no frequency). This sequence change replaces histidine, which is basic and polar, with glutamine, which is neutral and polar, at codon 1371 of the DUOX2 protein (p.His1371Gln).